The following is an entry in ClinVar:

NM_005591.4(MRE11):c.482A>G (p.Lys161Arg)

Gene: MRE11 (MRE11 double strand break repair nuclease; minus strand). Cytogenetic location: 11q21.
Variant type: single nucleotide variant.
Coding change: c.482A>G on transcript NM_005591.4 (MANE Select); coding-DNA position 482, A replaced by G.
Protein change: p.Lys161Arg; replaces lysine 161 with arginine.
Molecular consequence: missense variant.
Genome position (GRCh38, 1-based): chr11:94,478,797, T>C on the plus strand (A>G on the coding strand, the complement: MRE11 is on the minus strand). VCF-style: chr11-94478797-T-C. GRCh37 (hg19) VCF-style: chr11-94211963-T-C.
Other names: c.482A>G, p.Lys161Arg (NM_001330347.2, NM_005590.4); short protein forms K161R.
Identifiers: ClinVar variation 142190 (VCV000142190.21), dbSNP rs587782294, ClinGen allele CA294309.
Genomic context (GRCh38, chr11:94,478,797, plus strand): 5'-AAACCATATAGCGCAATCTTTGTGCTTCCTTTTTGAAGCAAAACCGGACTAATGTCTATC[T>C]TCTCCACAGACATTGAACGTCCAAAGTGATTTACAAATCCAGCACAACTTAAAATGTCCA-3'
Protein context (NP_005582.1, residues 151-171): NHFGRSMSVE[Lys161Arg]IDISPVLLQK

ClinVar aggregate classification (germline): Uncertain significance. Review status: criteria provided, multiple submitters, no conflicts (2 of 4 stars). 6 submissions from 6 submitters: Uncertain significance (6). Last evaluated 2025-11-02.

Conditions:
Ataxia-telangiectasia-like disorder (ATLD). Identifiers: MedGen C1858391, MONDO:0011457.
Hereditary cancer-predisposing syndrome. Also called: Neoplastic Syndromes, Hereditary; Tumor predisposition; Hereditary Cancer Syndrome; Hereditary neoplastic syndrome. Identifiers: Orphanet 140162, MedGen C0027672, MeSH D009386, MONDO:0015356.
Hereditary breast ovarian cancer syndrome. Also called: Breast and ovarian cancer; Hereditary breast and ovarian cancer; Hereditary breast and/or ovarian cancer syndrome; BRCA1- and BRCA2-Associated Hereditary Breast and Ovarian Cancer; Hereditary breast and ovarian cancer syndrome; Hereditary breast and ovarian cancer syndrome (HBOC). Identifiers: Orphanet 145, MedGen C0677776, MeSH D061325, MONDO:0003582. Disease mechanism: loss of function.
Ataxia-telangiectasia-like disorder 1 (ATLD1). Identifiers: Orphanet 251347, MedGen C4012790, MONDO:0024557, OMIM 604391.

Allele frequency attached by ClinVar (database versions not stated): ExAC 0.00001; gnomAD exomes 0.00001 and 0.00002; TOPMed 0.00005; gnomAD 0.00007.

Submissions (6):

Ambry Genetics
Classification: Uncertain significance for Hereditary cancer-predisposing syndrome. Last evaluated: 2025-11-02. Review status: criteria provided, single submitter. Criteria: Ambry Variant Classification Scheme 2023. Collection method: clinical testing. Allele origin: germline.
Comment: The p.K161R variant (also known as c.482A>G), located in coding exon 5 of the MRE11A gene, results from an A to G substitution at nucleotide position 482. The lysine at codon 161 is replaced by arginine, an amino acid with highly similar properties. This amino acid position is well conserved in available vertebrate species. In addition, this alteration is predicted to be tolerated by in silico analysis. Since supporting evidence is limited at this time, the clinical significance of this alteration remains unclear.

Labcorp Genetics (formerly Invitae), Labcorp
Classification: Uncertain significance for Ataxia-telangiectasia-like disorder. Last evaluated: 2025-07-21. Review status: criteria provided, single submitter. Criteria: Invitae Variant Classification Sherloc (09022015). Collection method: clinical testing. Allele origin: germline.
Comment: This sequence change replaces lysine, which is basic and polar, with arginine, which is basic and polar, at codon 161 of the MRE11 protein (p.Lys161Arg). This variant is present in population databases (rs587782294, gnomAD 0.003%). This missense change has been observed in individual(s) with breast cancer (PMID: 33326660, 35534704). ClinVar contains an entry for this variant (Variation ID: 142190). An algorithm developed to predict the effect of missense changes on protein structure and function (PolyPhen-2) suggests that this variant is likely to be tolerated. In summary, the available evidence is currently insufficient to determine the role of this variant in disease. Therefore, it has been classified as a Variant of Uncertain Significance.

Women's Health and Genetics/Laboratory Corporation of America, LabCorp
Classification: Uncertain significance. Last evaluated: 2024-08-20. Review status: criteria provided, single submitter. Criteria: LabCorp Variant Classification Summary - May 2015. Collection method: clinical testing. Allele origin: germline.
Comment: Variant summary: MRE11A c.482A>G (p.Lys161Arg) results in a conservative amino acid change located in the Mre11 nuclease, N-terminal metallophosphatase domain (IPR041796) of the encoded protein sequence. Four of five in-silico tools predict a benign effect of the variant on protein function. The variant was absent in 251036 control chromosomes (gnomAD). The available data on variant occurrences in the general population are insufficient to allow any conclusion about variant significance. c.482A>G has been reported in the literature in individuals affected with Breast Cancer, as well as unaffected controls (Dorling_2021, Felicio_2021, de Oliveira_2022). These reports do not provide unequivocal conclusions about association of the variant with Hereditary Breast And Ovarian Cancer Syndrome. To our knowledge, no experimental evidence demonstrating an impact on protein function has been reported. The following publications have been ascertained in the context of this evaluation (PMID: 33471991, 35534704, 33326660). ClinVar contains an entry for this variant (Variation ID: 142190). Based on the evidence outlined above, the variant was classified as uncertain significance.

Baylor Genetics
Classification: Uncertain significance for Ataxia-telangiectasia-like disorder 1. Last evaluated: 2023-10-26. Review status: criteria provided, single submitter. Criteria: ACMG Guidelines, 2015. Collection method: clinical testing. Allele origin: unknown.

Molecular Oncology Research Center, Barretos Cancer Hospital
Classification: Uncertain significance for Hereditary breast ovarian cancer syndrome. Last evaluated: 2020-08-01. Review status: criteria provided, single submitter. Criteria: ACMG Guidelines, 2015. Collection method: research. Allele origin: germline. Affected: yes. Observed: 1 variant allele.

Athena Diagnostics
Classification: Uncertain significance. Last evaluated: 2018-03-22. Review status: criteria provided, single submitter. Criteria: Athena Diagnostics Criteria. Collection method: clinical testing. Allele origin: germline.

Literature cited by the submitters: PubMed 33326660 (cited by Labcorp Genetics (formerly Invitae), Labcorp and Women's Health and Genetics/Laboratory Corporation of America, LabCorp); PubMed 35534704 (cited by Labcorp Genetics (formerly Invitae), Labcorp and Women's Health and Genetics/Laboratory Corporation of America, LabCorp); PubMed 33471991 (cited by Women's Health and Genetics/Laboratory Corporation of America, LabCorp).